The following is an entry in ClinVar:

NM_005431.2(XRCC2):c.596T>C (p.Met199Thr)

Gene: XRCC2 (X-ray repair cross complementing 2; minus strand). Cytogenetic location: 7q36.1.
Variant type: single nucleotide variant.
Coding change: c.596T>C on transcript NM_005431.2 (MANE Select); coding-DNA position 596, T replaced by C.
Protein change: p.Met199Thr; replaces methionine 199 with threonine.
Molecular consequence: missense variant.
Genome position (GRCh38, 1-based): chr7:152,648,889, A>G on the plus strand (T>C on the coding strand, the complement: XRCC2 is on the minus strand). VCF-style: chr7-152648889-A-G. GRCh37 (hg19) VCF-style: chr7-152345974-A-G.
Other names: p.M199T:ATG>ACG; short protein forms M199T.
Identifiers: ClinVar variation 182996 (VCV000182996.22), dbSNP rs149099078, ClinGen allele CA300475.

ClinVar aggregate classification (germline): Conflicting classifications of pathogenicity. Review status: criteria provided, conflicting classifications (1 of 4 stars). 8 submissions from 8 submitters: Uncertain significance (6); Likely benign (2). Last evaluated 2026-01-20.

Conditions:
Fanconi anemia complementation group U. Identifiers: MedGen C4310651, MONDO:0014987, OMIM 617247.
Hereditary cancer-predisposing syndrome. Also called: Tumor predisposition; Hereditary Cancer Syndrome; Hereditary neoplastic syndrome; Neoplastic Syndromes, Hereditary. Identifiers: Orphanet 140162, MedGen C0027672, MeSH D009386, MONDO:0015356.

Allele frequency attached by ClinVar (database versions not stated): gnomAD 0.00002 and 0.00004; TOPMed 0.00003; ExAC 0.00007; gnomAD exomes 0.00007; 1000 Genomes Project 30x 0.00047; 1000 Genomes Project 0.00060.

Submissions (8):

Labcorp Genetics (formerly Invitae), Labcorp
Classification: Uncertain significance. Last evaluated: 2026-01-20. Review status: criteria provided, single submitter. Criteria: Invitae Variant Classification Sherloc (09022015). Collection method: clinical testing. Allele origin: germline.
Comment: This sequence change replaces methionine, which is neutral and non-polar, with threonine, which is neutral and polar, at codon 199 of the XRCC2 protein (p.Met199Thr). This variant is present in population databases (rs149099078, gnomAD 0.1%), and has an allele count higher than expected for a pathogenic variant. This variant has not been reported in the literature in individuals affected with XRCC2-related conditions. ClinVar contains an entry for this variant (Variation ID: 182996). Invitae Evidence Modeling of protein sequence and biophysical properties (such as structural, functional, and spatial information, amino acid conservation, physicochemical variation, residue mobility, and thermodynamic stability) has been performed for this missense variant. However, the output from this modeling did not meet the statistical confidence thresholds required to predict the impact of this variant on XRCC2 protein function. In summary, the available evidence is currently insufficient to determine the role of this variant in disease. Therefore, it has been classified as a Variant of Uncertain Significance.

Quest Diagnostics Nichols Institute San Juan Capistrano
Classification: Likely benign. Last evaluated: 2025-03-16. Review status: criteria provided, single submitter. Criteria: Quest Diagnostics criteria. Collection method: clinical testing. Allele origin: unknown.

Blueprint Genetics
Classification: Uncertain significance. Last evaluated: 2024-06-28. Review status: criteria provided, single submitter. Criteria: ACMG Guidelines, 2015. Collection method: clinical testing. Allele origin: germline.

Ambry Genetics
Classification: Likely benign for Hereditary cancer-predisposing syndrome. Last evaluated: 2021-12-21. Review status: criteria provided, single submitter. Criteria: Ambry Variant Classification Scheme 2023. Collection method: clinical testing. Allele origin: germline.

Genetic Services Laboratory, University of Chicago
Classification: Uncertain significance. Last evaluated: 2021-08-04. Review status: criteria provided, single submitter. Criteria: ACMG Guidelines, 2015. Collection method: clinical testing. Allele origin: germline. Affected: no.
Comment: DNA sequence analysis of the XRCC2 gene demonstrated a sequence change, c.596T>C, in exon 3 that results in an amino acid change, p.Met199Thr. This sequence change has been described in the gnomAD database with a frequency of 0.09% in the East Asian subpopulation (dbSNP rs149099078). The p.Met199Thr change affects a highly conserved amino acid residue located in a domain of the XRCC2 protein that is known to be functional. In-silico pathogenicity prediction tools (SIFT, PolyPhen2, Align GVGD, REVEL) provide contradictory results for the p.Met199Thr substitution. This sequence change does not appear to have been previously described in individuals with XRCC2-related disorders. Due to insufficient evidences and the lack of functional studies, the clinical significance of the p.Met199Thr change remains unknown at this time.

Sema4
Classification: Uncertain significance for Hereditary cancer-predisposing syndrome. Last evaluated: 2021-07-22. Review status: criteria provided, single submitter. Criteria: Sema4 Curation Guidelines. Collection method: curation. Allele origin: germline.
Comment: The XRCC2 c.596T>C (p.M199T) variant has been reported in at least one individual with breast cancer (PMID:33471991). It was observed in 18/19952 chromosomes, with no homozygotes, in the East Asian subpopulation in the large and broad cohorts of the Genome Aggregation Database (PMID: 32461654). The variant has been reported in ClinVar (Variation ID: 182996). Functional studies have not been performed and in silico tool predictions of the variants effect on protein function are inconclusive. The evidence is insufficient to meet ACMG/AMP criteria for classifying the variant as benign or pathogenic. Thus, the clinical significance of this variant is currently uncertain.

Fulgent Genetics
Classification: Uncertain significance for Fanconi anemia complementation group U. Last evaluated: 2018-10-31. Review status: criteria provided, single submitter. Criteria: ACMG Guidelines, 2015. Collection method: clinical testing. Allele origin: unknown.

GeneDx
Classification: Uncertain significance. Last evaluated: 2016-09-02. Review status: criteria provided, single submitter. Criteria: GeneDx Variant Classification (06012015). Collection method: clinical testing. Allele origin: germline. Affected: yes.
Comment: This variant is denoted XRCC2 c.596T>C at the cDNA level, p.Met199Thr (M199T) at the protein level, and results in the change of a Methionine to a Threonine (ATG>ACG). This variant has not, to our knowledge, been published in the literature as pathogenic or benign. XRCC2 Met199Thr was not observed at a significant allele frequency in the 1000 Genomes Project. Since Methionine and Threonine differ in polarity, charge, size or other properties, this is considered a non-conservative amino acid substitution. XRCC2 Met199Thr occurs at a position where amino acids with properties similar to Methionine are tolerated across species and is located within the ATPase domain (Kim 2011). In silico analyses are inconsistent regarding the effect this variant may have on protein structure and function. Based on currently available information, it is unclear whether XRCC2 Met199Thr is pathogenic or benign. We consider it to be a variant of uncertain significance.

Literature cited by the submitters: PubMed 33471991 (cited by Quest Diagnostics Nichols Institute San Juan Capistrano and Sema4).